The following is an entry in ClinVar:

NM_003079.5(SMARCE1):c.1033A>G (p.Thr345Ala)

Gene: SMARCE1 (SWI/SNF related BAF chromatin remodeling complex subunit E1; minus strand). Cytogenetic location: 17q21.2.
Variant type: single nucleotide variant.
Coding change: c.1033A>G on transcript NM_003079.5 (MANE Select); coding-DNA position 1033, A replaced by G.
Protein change: p.Thr345Ala; replaces threonine 345 with alanine.
Molecular consequence: missense variant.
Genome position (GRCh38, 1-based): chr17:40,628,988, T>C on the plus strand (A>G on the coding strand, the complement: SMARCE1 is on the minus strand). VCF-style: chr17-40628988-T-C. GRCh37 (hg19) VCF-style: chr17-38785240-T-C.
Other names: short protein forms T345A.
Identifiers: ClinVar variation 1056547 (VCV001056547.9), dbSNP rs1597741316, ClinGen allele CA399361854.

ClinVar aggregate classification (germline): Uncertain significance (1 of 4 stars; one submission).

Conditions:
Familial meningioma. Also called: Meningioma, familial, susceptibility to. Identifiers: Orphanet 263662, MedGen C3551915, MONDO:0011789, OMIM 607174.

Submission:

Labcorp Genetics (formerly Invitae), Labcorp
Classification: Uncertain significance for Familial meningioma. Last evaluated: 2020-01-06. Review status: criteria provided, single submitter. Criteria: Invitae Variant Classification Sherloc (09022015). Collection method: clinical testing. Allele origin: germline.
Comment: This sequence change replaces threonine with alanine at codon 345 of the SMARCE1 protein (p.Thr345Ala). The threonine residue is moderately conserved and there is a small physicochemical difference between threonine and alanine. This variant is not present in population databases (ExAC no frequency). This variant has not been reported in the literature in individuals with SMARCE1-related conditions. Algorithms developed to predict the effect of missense changes on protein structure and function output the following: SIFT: "Tolerated"; PolyPhen-2: "Benign"; Align-GVGD: "Class C0". The alanine amino acid residue is found in multiple mammalian species, suggesting that this missense change does not adversely affect protein function. These predictions have not been confirmed by published functional studies and their clinical significance is uncertain. In summary, the available evidence is currently insufficient to determine the role of this variant in disease. Therefore, it has been classified as a Variant of Uncertain Significance.